The following is an entry in ClinVar:

NM_000535.7(PMS2):c.2124C>T (p.Asn708=)

Gene: PMS2 (PMS1 homolog 2, mismatch repair system component; minus strand). Cytogenetic location: 7p22.1.
Variant type: single nucleotide variant.
Coding change: c.2124C>T on transcript NM_000535.7 (MANE Select); coding-DNA position 2124, C replaced by T.
Protein change: p.Asn708=; no amino-acid change (asparagine 708 retained).
Molecular consequence: synonymous variant. On other transcripts: non-coding transcript variant (1).
Genome position (GRCh38, 1-based): chr7:5,982,874, G>A on the plus strand (C>T on the coding strand, the complement: PMS2 is on the minus strand). VCF-style: chr7-5982874-G-A. GRCh37 (hg19) VCF-style: chr7-6022505-G-A.
Other names: c.1719C>T, p.Asn573= (NM_001322003.2, NM_001322004.2, NM_001322005.2 and 1 more transcripts); c.1968C>T, p.Asn656= (NM_001322006.2); c.1806C>T, p.Asn602= (NM_001322007.2, NM_001322008.2); c.1563C>T, p.Asn521= (NM_001322010.2); c.1191C>T, p.Asn397= (NM_001322011.2, NM_001322012.2); c.1551C>T, p.Asn517= (NM_001322013.2); c.2124C>T, p.Asn708= (NM_001322014.2); c.1815C>T, p.Asn605= (NM_001322015.2); and 1 more.
Identifiers: ClinVar variation 1152165 (VCV001152165.11), dbSNP rs2128703022, ClinGen allele CA453643125.

ClinVar aggregate classification (germline): Benign/Likely benign. Review status: criteria provided, multiple submitters, no conflicts (2 of 4 stars). 3 submissions from 3 submitters: Benign (1); Likely benign (2). Last evaluated 2025-02-03.

Conditions:
Hereditary nonpolyposis colorectal neoplasms. Identifiers: MedGen C0009405, MeSH D003123.
Lynch syndrome 4 (LYNCH4). Also called: Hereditary non-polyposis colorectal cancer, type 4; Colorectal cancer, hereditary nonpolyposis, type 4. Identifiers: Orphanet 144, MedGen C1838333, MONDO:0013699, OMIM 614337. Disease mechanism: loss of function.
Hereditary cancer-predisposing syndrome. Also called: Tumor predisposition; Neoplastic Syndromes, Hereditary; Hereditary neoplastic syndrome; Hereditary Cancer Syndrome. Identifiers: Orphanet 140162, MedGen C0027672, MeSH D009386, MONDO:0015356.

Submissions (3):

Myriad Genetics, Inc.
Classification: Benign for Lynch syndrome 4. Last evaluated: 2025-02-03. Review status: criteria provided, single submitter. Criteria: Myriad Autosomal Dominant, Autosomal Recessive and X-Linked Classification Criteria (2023). Collection method: clinical testing. Allele origin: unknown.
Comment: This variant is considered benign. This variant is a silent/synonymous amino acid change and it is not expected to impact splicing.

Labcorp Genetics (formerly Invitae), Labcorp
Classification: Likely benign for Hereditary nonpolyposis colorectal neoplasms. Last evaluated: 2024-12-22. Review status: criteria provided, single submitter. Criteria: Invitae Variant Classification Sherloc (09022015). Collection method: clinical testing. Allele origin: germline.

Ambry Genetics
Classification: Likely benign for Hereditary cancer-predisposing syndrome. Last evaluated: 2024-09-22. Review status: criteria provided, single submitter. Criteria: Ambry Variant Classification Scheme 2023. Collection method: clinical testing. Allele origin: germline.